The following is an entry in ClinVar:

ClinVar aggregate classification (germline): Uncertain significance (1 of 4 stars; one submission).

Conditions:
Cortical dysplasia-focal epilepsy syndrome (PTHSL1). Also called: Pitt-Hopkins-like syndrome 1. Identifiers: Orphanet 163681, Orphanet 221150, MedGen C2750246, MONDO:0012400, OMIM 610042.

gnomAD v4.1: 2 of 1,614,132 alleles (0.00012%); highest among the groups gnomAD compares: East Asian, 0.0022%; no homozygotes.

Submission:

Labcorp Genetics (formerly Invitae), Labcorp
Classification: Uncertain significance for Cortical dysplasia-focal epilepsy syndrome. Last evaluated: 2017-01-23. Review status: criteria provided, single submitter. Criteria: Invitae Variant Classification Sherloc (09022015). Collection method: clinical testing. Allele origin: germline.
Comment: In summary, this variant is a novel missense change with uncertain impact on protein function. It has been classified as a Variant of Uncertain Significance. Algorithms developed to predict the effect of missense changes on protein structure and function do not agree on the potential impact of this missense change (SIFT: "Deleterious"; PolyPhen-2: "Benign"; Align-GVGD: "Class C0"). This variant is not present in population databases (ExAC no frequency) and has not been reported in the literature in individuals with a CNTNAP2-related disease. This sequence change replaces threonine with asparagine at codon 1144 of the CNTNAP2 protein (p.Thr1144Asn). The threonine residue is highly conserved and there is a small physicochemical difference between threonine and asparagine.

NM_014141.6(CNTNAP2):c.3431C>A (p.Thr1144Asn)

Gene: CNTNAP2 (contactin associated protein 2; plus strand). Cytogenetic location: 7q36.1.
Variant type: single nucleotide variant.
Coding change: c.3431C>A on transcript NM_014141.6 (MANE Select); coding-DNA position 3431, C replaced by A.
Protein change: p.Thr1144Asn; replaces threonine 1144 with asparagine.
Molecular consequence: missense variant.
Genome position (GRCh38, 1-based): chr7:148,267,082, C>A. VCF-style: chr7-148267082-C-A. GRCh37 (hg19) VCF-style: chr7-147964174-C-A.
Other names: short protein forms T1144N.
Identifiers: ClinVar variation 468427 (VCV000468427.9), dbSNP rs775781258, ClinGen allele CA369928939.
Genomic context (GRCh38, chr7:148,267,082, plus strand): 5'-TCCTCCTGCAGCTCGATCATTATCCTTCTGTGAGTTACCATCTGCCAAGTTCATCCGACA[C>A]CCTCTTCAATTCTCCCAAGTCGCTCTTTCTGGGAAAAGTTATAGGTAAGAATGTGGTTCG-3'
Protein context (NP_054860.1, residues 1134-1154): VSYHLPSSSD[Thr1144Asn]LFNSPKSLFL